The following is an entry in ClinVar:

ClinVar aggregate classification (germline): Uncertain significance (1 of 4 stars; one submission).

Allele frequency attached by ClinVar (database versions not stated): ExAC 0.00003; gnomAD exomes 0.00003; 1000 Genomes Project 30x 0.00016.
gnomAD v4.1: 19 of 1,595,060 alleles (0.0012%); highest among the groups gnomAD compares: East Asian, 0.0068%; no homozygotes.

Submission:

Labcorp Genetics (formerly Invitae), Labcorp
Classification: Uncertain significance. Last evaluated: 2021-08-01. Review status: criteria provided, single submitter. Criteria: Invitae Variant Classification Sherloc (09022015). Collection method: clinical testing. Allele origin: germline.
Comment: In summary, the available evidence is currently insufficient to determine the role of this variant in disease. Therefore, it has been classified as a Variant of Uncertain Significance. Algorithms developed to predict the effect of missense changes on protein structure and function are either unavailable or do not agree on the potential impact of this missense change (SIFT: "Tolerated"; PolyPhen-2: "Probably Damaging"; Align-GVGD: "Class C0"). This variant has not been reported in the literature in individuals affected with CREB3L3-related conditions. This variant is present in population databases (rs762422687, ExAC 0.03%). This sequence change replaces glutamic acid with lysine at codon 460 of the CREB3L3 protein (p.Glu460Lys). The glutamic acid residue is weakly conserved and there is a small physicochemical difference between glutamic acid and lysine.

NM_032607.3(CREB3L3):c.1378G>A (p.Glu460Lys)

Genes: CREB3L3 (cAMP responsive element binding protein 3 like 3; plus strand), LOC125371455 (Sharpr-MPRA regulatory region 11650; plus strand). Cytogenetic location: 19p13.3.
Variant type: single nucleotide variant.
Coding change: c.1378G>A on transcript NM_032607.3 (MANE Select); coding-DNA position 1378, G replaced by A.
Protein change: p.Glu460Lys; replaces glutamic acid 460 with lysine.
Molecular consequence: missense variant. On other transcripts: 3 prime UTR variant (1).
Genome position (GRCh38, 1-based): chr19:4,171,961, G>A. VCF-style: chr19-4171961-G-A. GRCh37 (hg19) VCF-style: chr19-4171958-G-A.
Other names: c.1375G>A, p.Glu459Lys (NM_001271995.2); c.1372G>A, p.Glu458Lys (NM_001271996.2); c.*257G>A (NM_001271997.2); short protein forms E458K, E460K, E459K.
Identifiers: ClinVar variation 1395485 (VCV001395485.6), dbSNP rs762422687, ClinGen allele CA9091697.